The following is an entry in ClinVar:

NM_001235.5(SERPINH1):c.1114G>A (p.Gly372Arg)

Gene: SERPINH1 (serpin family H member 1; plus strand). Cytogenetic location: 11q13.5.
Variant type: single nucleotide variant.
Coding change: c.1114G>A on transcript NM_001235.5 (MANE Select); coding-DNA position 1114, G replaced by A.
Protein change: p.Gly372Arg; replaces glycine 372 with arginine.
Molecular consequence: missense variant.
Genome position (GRCh38, 1-based): chr11:75,571,940, G>A. VCF-style: chr11-75571940-G-A. GRCh37 (hg19) VCF-style: chr11-75282985-G-A.
Other names: c.1114G>A, p.Gly372Arg (NM_001207014.3); short protein forms G372R.
Identifiers: ClinVar variation 1405733 (VCV001405733.6), dbSNP rs200180052, ClinGen allele CA6191015.

ClinVar aggregate classification (germline): Uncertain significance (1 of 4 stars; one submission).

Allele frequency attached by ClinVar (database versions not stated): gnomAD 0.00001; TOPMed 0.00001; ExAC 0.00003; gnomAD exomes 0.00004; 1000 Genomes Project 30x 0.00016; 1000 Genomes Project 0.00020.
gnomAD v4.1: 59 of 1,614,192 alleles (0.0037%); highest among the groups gnomAD compares: South Asian, 0.014%; no homozygotes.

Submission:

Labcorp Genetics (formerly Invitae), Labcorp
Classification: Uncertain significance. Last evaluated: 2021-11-14. Review status: criteria provided, single submitter. Criteria: Invitae Variant Classification Sherloc (09022015). Collection method: clinical testing. Allele origin: germline.
Comment: In summary, the available evidence is currently insufficient to determine the role of this variant in disease. Therefore, it has been classified as a Variant of Uncertain Significance. Advanced modeling of protein sequence and biophysical properties (such as structural, functional, and spatial information, amino acid conservation, physicochemical variation, residue mobility, and thermodynamic stability) performed at Invitae indicates that this missense variant is not expected to disrupt SERPINH1 protein function. This variant has not been reported in the literature in individuals affected with SERPINH1-related conditions. This variant is present in population databases (rs200180052, gnomAD 0.01%). This sequence change replaces glycine, which is neutral and non-polar, with arginine, which is basic and polar, at codon 372 of the SERPINH1 protein (p.Gly372Arg).